The following is an entry in ClinVar:

ClinVar aggregate classification (germline): Likely pathogenic (1 of 4 stars; one submission).

Conditions:
Granulomatous disease, chronic, X-linked. Also called: GRANULOMATOUS DISEASE, CHRONIC, X-LINKED, SOMATIC MOSAIC; CYTOCHROME b-NEGATIVE GRANULOMATOUS DISEASE, CHRONIC, X-LINKED. Identifiers: Orphanet 379, MedGen C1844376, MONDO:0010600, OMIM 306400.

Submission:

Labcorp Genetics (formerly Invitae), Labcorp
Classification: Likely pathogenic for Granulomatous disease, chronic, X-linked. Last evaluated: 2020-12-06. Review status: criteria provided, single submitter. Criteria: Invitae Variant Classification Sherloc (09022015). Collection method: clinical testing. Allele origin: germline.
Comment: In summary, the currently available evidence indicates that the variant is pathogenic, but additional data are needed to prove that conclusively. Therefore, this variant has been classified as Likely Pathogenic. This variant disrupts the p.Gly20 amino acid residue in CYBB. Other variant(s) that disrupt this residue have been determined to be pathogenic (PMID: 9585602, 19410294, 20729109). This suggests that this residue is clinically significant, and that variants that disrupt this residue are likely to be disease-causing. This variant has not been reported in the literature in individuals with CYBB-related conditions. This variant is a gross deletion of the genomic region encompassing exon(s) 2 of the CYBB gene. This variant would be expected to be in-frame, preserving the integrity of the reading frame.

Literature cited by the submitters: PubMed 9585602; PubMed 19410294; PubMed 20729109.

NC_000023.10:g.(?_37641330)_(37641446_?)del

Gene: CYBB (cytochrome b-245 beta chain; plus strand). Cytogenetic location: Xp11.4.
Variant type: Deletion.
Identifiers: ClinVar variation 1509739 (VCV001509739.8).